The following is an entry in ClinVar:

ClinVar aggregate classification (germline): Pathogenic (1 of 4 stars; one submission).

Conditions:
Familial cancer of breast. Also called: BREAST CANCER, FAMILIAL; hereditary breast carcinoma; Hereditary breast cancer. Identifiers: Orphanet 227535, MedGen C0346153, MONDO:0016419, OMIM 114480. Disease mechanism: loss of function.

Submission:

Myriad Genetics, Inc.
Classification: Pathogenic for Familial cancer of breast. Last evaluated: 2023-06-26. Review status: criteria provided, single submitter. Criteria: Myriad Autosomal Dominant, Autosomal Recessive and X-Linked Classification Criteria (2023). Collection method: clinical testing. Allele origin: unknown.
Comment: This variant is considered pathogenic. This variant creates a frameshift predicted to result in premature protein truncation.

NM_007194.4(CHEK2):c.573del (p.Ser192fs)

Gene: CHEK2 (checkpoint kinase 2; minus strand). Cytogenetic location: 22q12.1.
Variant type: Deletion.
Coding change: c.573del on transcript NM_007194.4 (MANE Select); coding-DNA position 573, one base deleted (G; older notation c.573delG).
Protein change: p.Ser192fs; shifts the reading frame from serine 192.
Molecular consequence: frameshift variant. On other transcripts: 5 prime UTR variant (2), intron variant (1).
Genome position (GRCh38, 1-based): chr22:28,724,996, C deleted on the plus strand (G on the coding strand, the reverse complement: CHEK2 is on the minus strand). VCF-style (leftmost placement, unchanged base first): chr22-28724995-AC-A. GRCh37 (hg19) VCF-style: chr22-29120983-AC-A.
Other names: c.702del, p.Ser235fs (NM_001005735.3, NM_001438294.1); c.-205del (NM_001257387.3); c.-91del (NM_001437942.1); c.666del, p.Ser223fs (NM_001438293.1, NM_001438295.1); c.573del, p.Ser192fs (NM_145862.3); c.445-73del (NM_001349956.3); short protein forms S192fs, S235fs, S223fs.
Identifiers: ClinVar variation 2584262 (VCV002584262.2), dbSNP rs2518050651, ClinGen allele CA2582342773.